The following is an entry in ClinVar:

NM_001374828.1(ARID1B):c.6938C>G (p.Pro2313Arg)

Gene: ARID1B (AT-rich interaction domain 1B; plus strand). Cytogenetic location: 6q25.3.
Variant type: single nucleotide variant.
Coding change: c.6938C>G on transcript NM_001374828.1 (MANE Select); coding-DNA position 6938, C replaced by G.
Protein change: p.Pro2313Arg; replaces proline 2313 with arginine.
Molecular consequence: missense variant.
Genome position (GRCh38, 1-based): chr6:157,207,710, C>G. VCF-style: chr6-157207710-C-G. GRCh37 (hg19) VCF-style: chr6-157528844-C-G.
Other names: c.4439C>G, p.Pro1480Arg (NM_001363725.2); c.6818C>G, p.Pro2273Arg (NM_001371656.1, NM_001374820.1); c.6779C>G, p.Pro2260Arg (NM_017519.3); short protein forms P1480R, P2260R, P2313R, P2273R.
Identifiers: ClinVar variation 3635342 (VCV003635342.2).

ClinVar aggregate classification (germline): Uncertain significance (1 of 4 stars; one submission).

Submission:

Labcorp Genetics (formerly Invitae), Labcorp
Classification: Uncertain significance. Last evaluated: 2024-07-30. Review status: criteria provided, single submitter. Criteria: Invitae Variant Classification Sherloc (09022015). Collection method: clinical testing. Allele origin: germline.
Comment: This sequence change replaces proline, which is neutral and non-polar, with arginine, which is basic and polar, at codon 2190 of the ARID1B protein (p.Pro2190Arg). This variant is not present in population databases (gnomAD no frequency). This variant has not been reported in the literature in individuals affected with ARID1B-related conditions. Advanced modeling of protein sequence and biophysical properties (such as structural, functional, and spatial information, amino acid conservation, physicochemical variation, residue mobility, and thermodynamic stability) has been performed at Invitae for this missense variant, however the output from this modeling did not meet the statistical confidence thresholds required to predict the impact of this variant on ARID1B protein function. In summary, the available evidence is currently insufficient to determine the role of this variant in disease. Therefore, it has been classified as a Variant of Uncertain Significance.